The following is an entry in ClinVar:

NM_000179.3(MSH6):c.2999A>G (p.Lys1000Arg)

Gene: MSH6 (mutS homolog 6; plus strand). Cytogenetic location: 2p16.3.
Variant type: single nucleotide variant.
Coding change: c.2999A>G on transcript NM_000179.3 (MANE Select); coding-DNA position 2999, A replaced by G.
Protein change: p.Lys1000Arg; replaces lysine 1000 with arginine.
Molecular consequence: missense variant.
Genome position (GRCh38, 1-based): chr2:47,800,982, A>G. VCF-style: chr2-47800982-A-G. GRCh37 (hg19) VCF-style: chr2-48028121-A-G.
Other names: c.2609A>G, p.Lys870Arg (NM_001281492.2); c.2093A>G, p.Lys698Arg (NM_001281493.2, NM_001281494.2, NM_001406811.1 and 6 more transcripts); c.3095A>G, p.Lys1032Arg (NM_001406795.1, NM_001406802.1); c.2999A>G, p.Lys1000Arg (NM_001406796.1, NM_001406798.1, NM_001406800.1 and 2 more transcripts); c.2702A>G, p.Lys901Arg (NM_001406797.1, NM_001406801.1, NM_001406805.1 and 10 more transcripts); c.2474A>G, p.Lys825Arg (NM_001406799.1, NM_001406806.1, NM_001406807.1); c.2921A>G, p.Lys974Arg (NM_001406804.1); c.3005A>G, p.Lys1002Arg (NM_001406813.1); and 2 more; short protein forms K944R, K1032R, K825R, K1002R, K698R, K901R, K974R, K1000R.
Identifiers: ClinVar variation 1798596 (VCV001798596.3), dbSNP rs2104435253, ClinGen allele CA346756396.

ClinVar aggregate classification (germline): Uncertain significance (1 of 4 stars; one submission).

Conditions:
Hereditary cancer-predisposing syndrome. Also called: Neoplastic Syndromes, Hereditary; Tumor predisposition; Hereditary Cancer Syndrome; Hereditary neoplastic syndrome. Identifiers: Orphanet 140162, MedGen C0027672, MeSH D009386, MONDO:0015356.

Submission:

Ambry Genetics
Classification: Uncertain significance for Hereditary cancer-predisposing syndrome. Last evaluated: 2024-07-02. Review status: criteria provided, single submitter. Criteria: Ambry Variant Classification Scheme 2023. Collection method: clinical testing. Allele origin: germline.
Comment: The p.K1000R variant (also known as c.2999A>G), located in coding exon 4 of the MSH6 gene, results from an A to G substitution at nucleotide position 2999. The lysine at codon 1000 is replaced by arginine, an amino acid with highly similar properties. This amino acid position is well conserved in available vertebrate species. In addition, this alteration is predicted to be tolerated by in silico analysis. Based on the available evidence, the clinical significance of this variant remains unclear.